The following is an entry in ClinVar:

NM_007126.5(VCP):c.*4G>T

Gene: VCP (valosin containing protein; minus strand). Cytogenetic location: 9p13.3.
Variant type: single nucleotide variant.
Coding change: c.*4G>T on transcript NM_007126.5 (MANE Select); 4 bases downstream of the stop codon, G replaced by T.
Molecular consequence: 3 prime UTR variant.
Genome position (GRCh38, 1-based): chr9:35,057,113, C>A on the plus strand (G>T on the coding strand, the complement: VCP is on the minus strand). VCF-style: chr9-35057113-C-A. GRCh37 (hg19) VCF-style: chr9-35057110-C-A.
Other names: c.*4G>T (NM_001354927.2, NM_001354928.2).
Identifiers: ClinVar variation 284304 (VCV000284304.43), dbSNP rs201091341, ClinGen allele CA5039057.

ClinVar aggregate classification (germline): Conflicting classifications of pathogenicity. Review status: criteria provided, conflicting classifications (1 of 4 stars). 12 submissions from 11 submitters: Uncertain significance (1); Benign (3); Likely benign (5). 3 of the submissions do not count toward it. Last evaluated 2025-08-01.

Conditions:
Frontotemporal dementia and/or amyotrophic lateral sclerosis 6 (FTDALS6). Also called: VCP-Related Amyotrophic Lateral Sclerosis/Frontotemporal Dementia; VCP-Related Amyotrophic Lateral Sclerosis. Identifiers: Orphanet 275872, Orphanet 803, MedGen C5436279, MONDO:0013501, OMIM 613954.
Inclusion body myopathy with Paget disease of bone and frontotemporal dementia type 1. Also called: Inclusion body myopathy with early-onset Paget disease and frontotemporal dementia 1; MULTISYSTEM PROTEINOPATHY 1; Inclusion body myopathy with early-onset Paget disease with or without frontotemporal dementia 1. Identifiers: MedGen C4551951, MONDO:0008178, OMIM 167320.
Intellectual disability. Also called: Intellectual functioning disability; intellectual disabilities; Intellectual developmental disorder. Identifiers: MedGen C3714756, MeSH D008607, MONDO:0001071, HP:0001249.

Allele frequency attached by ClinVar (database versions not stated): ESP Exome Variant Server 0.00038; TOPMed 0.00046; gnomAD 0.00050 and 0.00052; ExAC 0.00067.
gnomAD v4.1: 918 of 1,613,938 alleles (0.057%); highest among the groups gnomAD compares: Middle Eastern, 0.38%; 4 homozygotes.

Submissions (12):

CeGaT Center for Human Genetics Tuebingen
Classification: Likely benign. Last evaluated: 2025-08-01. Review status: criteria provided, single submitter. Criteria: CeGaT Center For Human Genetics Tuebingen Variant Classification Criteria Version 2. Collection method: clinical testing. Allele origin: germline. Affected: yes. Observed: 6 variant alleles.
Comment: VCP: BS1

Mayo Clinic Laboratories, Mayo Clinic
Classification: Benign. Last evaluated: 2025-04-01. Review status: criteria provided, single submitter. Criteria: ACMG Guidelines, 2015. Collection method: clinical testing. Allele origin: germline. Observed: 3 variant alleles.
Comment: BS1, BS2

Blueprint Genetics
Classification: Likely benign. Last evaluated: 2024-11-22. Review status: criteria provided, single submitter. Criteria: ACMG Guidelines, 2015. Collection method: clinical testing. Allele origin: germline.

GeneDx
Classification: Likely benign. Last evaluated: 2021-04-13. Review status: criteria provided, single submitter. Criteria: GeneDx Variant Classification Process June 2021. Collection method: clinical testing. Allele origin: germline. Affected: yes.

Athena Diagnostics
Classification: Benign. Last evaluated: 2020-10-29. Review status: criteria provided, single submitter. Criteria: Athena Diagnostics criteria. Collection method: clinical testing. Allele origin: unknown.

Baylor Genetics
Classification: Uncertain significance for Frontotemporal dementia and/or amyotrophic lateral sclerosis 6. Last evaluated: 2018-04-05. Review status: criteria provided, single submitter. Criteria: ACMG Guidelines, 2015. Collection method: clinical testing. Allele origin: unknown. Affected: yes.
Comment: This variant was determined to be of uncertain significance according to ACMG Guidelines, 2015 [PMID:25741868].

Illumina Laboratory Services, Illumina
Classification: Benign for Inclusion body myopathy with Paget disease of bone and frontotemporal dementia type 1. Last evaluated: 2018-01-12. Review status: criteria provided, single submitter. Criteria: ICSL Variant Classification Criteria 13 December 2019. Collection method: clinical testing. Allele origin: germline.
Comment: This variant was observed in the ICSL laboratory as part of a predisposition screen in an ostensibly healthy population. It had not been previously curated by ICSL or reported in the Human Gene Mutation Database (HGMD: prior to June 1st, 2018), and was therefore a candidate for classification through an automated scoring system. Utilizing variant allele frequency, disease prevalence and penetrance estimates, and inheritance mode, an automated score was calculated to assess if this variant is too frequent to cause the disease. Based on the score and internal cut-off values, a variant classified as benign is not then subjected to further curation. The score for this variant resulted in a classification of benign for this disease.

Illumina Laboratory Services, Illumina
Classification: Likely benign for Frontotemporal dementia and/or amyotrophic lateral sclerosis 6. Last evaluated: 2018-01-12. Review status: criteria provided, single submitter. Criteria: ICSL Variant Classification Criteria 13 December 2019. Collection method: clinical testing. Allele origin: germline.
Comment: This variant was observed in the ICSL laboratory as part of a predisposition screen in an ostensibly healthy population. It had not been previously curated by ICSL or reported in the Human Gene Mutation Database (HGMD: prior to June 1st, 2018), and was therefore a candidate for classification through an automated scoring system. Utilizing variant allele frequency, disease prevalence and penetrance estimates, and inheritance mode, an automated score was calculated to assess if this variant is too frequent to cause the disease. Based on the score and internal cut-off values, a variant classified as likely benign is not then subjected to further curation. The score for this variant resulted in a classification of likely benign for this disease.

Eurofins Ntd Llc (ga)
Classification: Likely benign. Last evaluated: 2016-11-14. Review status: criteria provided, single submitter. Criteria: EGL Classification Definitions 2015. Collection method: clinical testing. Allele origin: germline. Observed: 3 variant alleles, 3 heterozygotes.

Centre de Biologie Pathologie Génétique, Centre Hospitalier Universitaire de Lille
Classification: Uncertain significance for Intellectual disability. Last evaluated: 2019-01-01. Review status: no assertion criteria provided. Collection method: clinical testing. Allele origin: unknown. Affected: yes. Not counted in ClinVar's aggregate classification.

Clinical Genetics, Academic Medical Center
Classification: Likely benign. Review status: no assertion criteria provided. Collection method: clinical testing. Allele origin: germline. Affected: yes. Study: VKGL Data-share Consensus. Not counted in ClinVar's aggregate classification.

Genome Diagnostics Laboratory, University Medical Center Utrecht
Classification: Likely benign. Review status: no assertion criteria provided. Collection method: clinical testing. Allele origin: germline. Affected: yes. Study: VKGL Data-share Consensus. Not counted in ClinVar's aggregate classification.